The following is an entry in ClinVar:

ClinVar aggregate classification (germline): Uncertain significance (1 of 4 stars; one submission).

Conditions:
Inborn genetic diseases. Identifiers: MedGen C0950123, MeSH D030342.

Submission:

Ambry Genetics
Classification: Uncertain significance for Inborn genetic diseases. Last evaluated: 2023-03-02. Review status: criteria provided, single submitter. Criteria: Ambry Variant Classification Scheme 2023. Collection method: clinical testing. Allele origin: germline.
Comment: The c.472G>T (p.D158Y) alteration is located in exon 1 (coding exon 1) of the PURA gene. This alteration results from a G to T substitution at nucleotide position 472, causing the aspartic acid (D) at amino acid position 158 to be replaced by a tyrosine (Y). This variant was not reported in population-based cohorts in the Genome Aggregation Database (gnomAD). This amino acid position is highly conserved in available vertebrate species. The in silico prediction for this alteration is inconclusive. Based on insufficient or conflicting evidence, the clinical significance of this alteration remains unclear.

NM_005859.5(PURA):c.472G>T (p.Asp158Tyr)

Gene: PURA (purine rich element binding protein A; plus strand). Cytogenetic location: 5q31.3.
Variant type: single nucleotide variant.
Coding change: c.472G>T on transcript NM_005859.5 (MANE Select); coding-DNA position 472, G replaced by T.
Protein change: p.Asp158Tyr; replaces aspartic acid 158 with tyrosine.
Molecular consequence: missense variant.
Genome position (GRCh38, 1-based): chr5:140,114,653, G>T. VCF-style: chr5-140114653-G-T. GRCh37 (hg19) VCF-style: chr5-139494238-G-T.
Other names: short protein forms D158Y.
Identifiers: ClinVar variation 208661 (VCV000208661.5), dbSNP rs797044866, ClinGen allele CA204632.